The following is an entry in ClinVar:

NM_002661.5(PLCG2):c.297A>G (p.Leu99=)

Gene: PLCG2 (phospholipase C gamma 2; plus strand). Cytogenetic location: 16q23.3.
Variant type: single nucleotide variant.
Coding change: c.297A>G on transcript NM_002661.5 (MANE Select); coding-DNA position 297, A replaced by G.
Protein change: p.Leu99=; no amino-acid change (leucine 99 retained).
Molecular consequence: synonymous variant.
Genome position (GRCh38, 1-based): chr16:81,854,547, A>G. VCF-style: chr16-81854547-A-G. GRCh37 (hg19) VCF-style: chr16-81888152-A-G.
Other names: p.Leu99=.
Identifiers: ClinVar variation 403317 (VCV000403317.21), dbSNP rs1143686, ClinGen allele CA8193117.

ClinVar aggregate classification (germline): Benign/Likely benign. Review status: criteria provided, multiple submitters, no conflicts (2 of 4 stars). 9 submissions from 9 submitters: Benign (6); Likely benign (1). 2 of the submissions do not count toward it. Last evaluated 2026-02-04.

Conditions:
Familial cold autoinflammatory syndrome 3 (FCAS3). Also called: ANTIBODY DEFICIENCY AND IMMUNE DYSREGULATION, PLCG2-ASSOCIATED; FAMILIAL ATYPICAL COLD URTICARIA. Identifiers: Orphanet 300359, MedGen C3280914, MONDO:0013766, OMIM 614468.

Allele frequency attached by ClinVar (database versions not stated): 1000 Genomes Project 30x 0.21143; 1000 Genomes Project 0.21206; TOPMed 0.24930; ESP Exome Variant Server 0.25571; gnomAD 0.26621.
gnomAD v4.1: 482,112 of 1,612,678 alleles (30%); highest among the groups gnomAD compares: Non-Finnish European, 32%; 74,765 homozygotes.

Submissions (9):

Labcorp Genetics (formerly Invitae), Labcorp
Classification: Benign for Familial cold autoinflammatory syndrome 3. Last evaluated: 2026-02-04. Review status: criteria provided, single submitter. Criteria: Invitae Variant Classification Sherloc (09022015). Collection method: clinical testing. Allele origin: germline.

Women's Health and Genetics/Laboratory Corporation of America, LabCorp
Classification: Benign. Last evaluated: 2026-01-21. Review status: criteria provided, single submitter. Criteria: LabCorp Variant Classification Summary - May 2015. Collection method: clinical testing. Allele origin: germline.

Blueprint Genetics
Classification: Likely benign. Last evaluated: 2024-11-27. Review status: criteria provided, single submitter. Criteria: ACMG Guidelines, 2015. Collection method: clinical testing. Allele origin: germline.

Unidad de Genómica Garrahan, Hospital de Pediatría Garrahan
Classification: Benign. Last evaluated: 2023-11-12. Review status: criteria provided, single submitter. Criteria: ACMG Guidelines, 2015. Collection method: clinical testing. Allele origin: germline. Affected: no. Observed: 46 variant alleles.
Comment: This variant is classified as Benign based on local population frequency. This variant was detected in 48% of patients studied by a panel of primary immunodeficiencies. Number of patients: 46. Only high quality variants are reported.

Mayo Clinic Laboratories, Mayo Clinic
Classification: Benign. Last evaluated: 2022-03-09. Review status: criteria provided, single submitter. Criteria: ACMG Guidelines, 2015. Collection method: clinical testing. Allele origin: germline. Observed: 777 variant alleles.

Laboratory for Molecular Medicine, Mass General Brigham Personalized Medicine
Classification: Benign. Last evaluated: 2016-03-28. Review status: criteria provided, single submitter. Criteria: LMM Criteria. Collection method: clinical testing. Allele origin: germline.
Comment: Variant identified in a genome or exome case(s) and assessed due to predicted null impact of the variant or pathogenic assertions in the literature or databases. Disclaimer: This variant has not undergone full assessment. The following are preliminary notes: Frequency

Breakthrough Genomics
Classification: Benign. Review status: criteria provided, single submitter. Criteria: ACMG Guidelines, 2015. Collection method: not provided. Allele origin: germline. Inheritance: Autosomal dominant inheritance. Affected: yes.

Genome Diagnostics Laboratory, University Medical Center Utrecht
Classification: Benign. Review status: no assertion criteria provided. Collection method: clinical testing. Allele origin: germline. Affected: yes. Study: VKGL Data-share Consensus. Not counted in ClinVar's aggregate classification.

Joint Genome Diagnostic Labs from Nijmegen and Maastricht, Radboudumc and MUMC+
Classification: Benign. Review status: no assertion criteria provided. Collection method: clinical testing. Allele origin: germline. Affected: yes. Study: VKGL Data-share Consensus. Not counted in ClinVar's aggregate classification.